The following is an entry in ClinVar:

NM_000465.4(BARD1):c.863C>T (p.Ser288Phe)

Gene: BARD1 (BRCA1 associated RING domain 1; minus strand). Cytogenetic location: 2q35.
Variant type: single nucleotide variant.
Coding change: c.863C>T on transcript NM_000465.4 (MANE Select); coding-DNA position 863, C replaced by T.
Protein change: p.Ser288Phe; replaces serine 288 with phenylalanine.
Molecular consequence: missense variant. On other transcripts: non-coding transcript variant (2), intron variant (3).
Genome position (GRCh38, 1-based): chr2:214,781,011, G>A on the plus strand (C>T on the coding strand, the complement: BARD1 is on the minus strand). VCF-style: chr2-214781011-G-A. GRCh37 (hg19) VCF-style: chr2-215645735-G-A.
Other names: c.806C>T, p.Ser269Phe (NM_001282543.2); c.158+28401C>T (NM_001282548.2); c.215+16050C>T (NM_001282545.2); c.364+11286C>T (NM_001282549.2); short protein forms S288F, S269F.
Identifiers: ClinVar variation 237845 (VCV000237845.18), dbSNP rs878854016, ClinGen allele CA10581935.

ClinVar aggregate classification (germline): Uncertain significance. Review status: criteria provided, multiple submitters, no conflicts (2 of 4 stars). 3 submissions from 3 submitters: Uncertain significance (3). Last evaluated 2024-02-04.

Conditions:
Hereditary cancer-predisposing syndrome. Also called: Neoplastic Syndromes, Hereditary; Hereditary neoplastic syndrome; Tumor predisposition; Hereditary Cancer Syndrome. Identifiers: Orphanet 140162, MedGen C0027672, MeSH D009386, MONDO:0015356.
Familial cancer of breast. Also called: BREAST CANCER, FAMILIAL; hereditary breast carcinoma; Hereditary breast cancer. Identifiers: Orphanet 227535, MedGen C0346153, MONDO:0016419, OMIM 114480. Disease mechanism: loss of function.

Allele frequency attached by ClinVar (database versions not stated): gnomAD 0.00001.

Submissions (3):

Ambry Genetics
Classification: Uncertain significance for Hereditary cancer-predisposing syndrome. Last evaluated: 2024-02-04. Review status: criteria provided, single submitter. Criteria: Ambry Variant Classification Scheme 2023. Collection method: clinical testing. Allele origin: germline.
Comment: The p.S288F variant (also known as c.863C>T), located in coding exon 4 of the BARD1 gene, results from a C to T substitution at nucleotide position 863. The serine at codon 288 is replaced by phenylalanine, an amino acid with highly dissimilar properties. This amino acid position is well conserved in available vertebrate species. In addition, the in silico prediction for this alteration is inconclusive. Since supporting evidence is limited at this time, the clinical significance of this alteration remains unclear.

Color Diagnostics, LLC DBA Color Health
Classification: Uncertain significance for Hereditary cancer-predisposing syndrome. Last evaluated: 2023-12-05. Review status: criteria provided, single submitter. Criteria: ACMG Guidelines, 2015. Collection method: clinical testing. Allele origin: germline.
Comment: This missense variant replaces serine with phenylalanine at codon 288 of the BARD1 protein. Computational prediction suggests that this variant may not impact protein structure and function (internally defined REVEL score threshold <= 0.5, PMID: 27666373). To our knowledge, functional studies have not been reported for this variant. This variant has not been reported in individuals affected with BARD1-related disorders in the literature. This variant has not been identified in the general population by the Genome Aggregation Database (gnomAD). The available evidence is insufficient to determine the role of this variant in disease conclusively. Therefore, this variant is classified as a Variant of Uncertain Significance.

Labcorp Genetics (formerly Invitae), Labcorp
Classification: Uncertain significance for Familial cancer of breast. Last evaluated: 2022-06-08. Review status: criteria provided, single submitter. Criteria: Invitae Variant Classification Sherloc (09022015). Collection method: clinical testing. Allele origin: germline.
Comment: In summary, the available evidence is currently insufficient to determine the role of this variant in disease. Therefore, it has been classified as a Variant of Uncertain Significance. Algorithms developed to predict the effect of missense changes on protein structure and function (SIFT, PolyPhen-2, Align-GVGD) all suggest that this variant is likely to be disruptive. ClinVar contains an entry for this variant (Variation ID: 237845). This variant has not been reported in the literature in individuals affected with BARD1-related conditions. This variant is not present in population databases (gnomAD no frequency). This sequence change replaces serine, which is neutral and polar, with phenylalanine, which is neutral and non-polar, at codon 288 of the BARD1 protein (p.Ser288Phe).